The following is an entry in ClinVar:

ClinVar aggregate classification (germline): Uncertain significance (1 of 4 stars; one submission).

Conditions:
Hepatic methionine adenosyltransferase deficiency. Also called: Isolated Persistent Hypermethioninemia; MAT I/III DEFICIENCY; Deficiency of methionine adenosyltransferase; Methionine adenosyltransferase deficiency. Identifiers: Orphanet 168598, MedGen C0268621, MeSH C564683, MONDO:0009607, OMIM 250850.

Submission:

Labcorp Genetics (formerly Invitae), Labcorp
Classification: Uncertain significance for Hepatic methionine adenosyltransferase deficiency. Last evaluated: 2023-12-18. Review status: criteria provided, single submitter. Criteria: Invitae Variant Classification Sherloc (09022015). Collection method: clinical testing. Allele origin: germline.
Comment: This sequence change replaces glutamic acid, which is acidic and polar, with lysine, which is basic and polar, at codon 27 of the MAT1A protein (p.Glu27Lys). This variant is not present in population databases (gnomAD no frequency). This variant has not been reported in the literature in individuals affected with MAT1A-related conditions. ClinVar contains an entry for this variant (Variation ID: 1964878). Advanced modeling of protein sequence and biophysical properties (such as structural, functional, and spatial information, amino acid conservation, physicochemical variation, residue mobility, and thermodynamic stability) has been performed at Invitae for this missense variant, however the output from this modeling did not meet the statistical confidence thresholds required to predict the impact of this variant on MAT1A protein function. In summary, the available evidence is currently insufficient to determine the role of this variant in disease. Therefore, it has been classified as a Variant of Uncertain Significance.

NM_000429.3(MAT1A):c.79G>A (p.Glu27Lys)

Gene: MAT1A (methionine adenosyltransferase 1A; minus strand). Cytogenetic location: 10q22.3.
Variant type: single nucleotide variant.
Coding change: c.79G>A on transcript NM_000429.3 (MANE Select); coding-DNA position 79, G replaced by A.
Protein change: p.Glu27Lys; replaces glutamic acid 27 with lysine.
Molecular consequence: missense variant.
Genome position (GRCh38, 1-based): chr10:80,289,345, C>T on the plus strand (G>A on the coding strand, the complement: MAT1A is on the minus strand). VCF-style: chr10-80289345-C-T. GRCh37 (hg19) VCF-style: chr10-82049101-C-T.
Other names: short protein forms E27K.
Identifiers: ClinVar variation 1964878 (VCV001964878.5), dbSNP rs2492512318, ClinGen allele CA377364879.